The following is an entry in ClinVar:

ClinVar aggregate classification (germline): Uncertain significance. Review status: criteria provided, multiple submitters, no conflicts (2 of 4 stars). 3 submissions from 3 submitters: Uncertain significance (3). Last evaluated 2026-04-20.

Conditions:
Dyskeratosis congenita. Identifiers: Orphanet 1775, MedGen C0265965, MONDO:0015780.
Dyskeratosis congenita, autosomal dominant 2. Identifiers: MedGen C3151443, MONDO:0013521, OMIM 613989.
Idiopathic Pulmonary Fibrosis. Also called: Idiopathic fibrosing alveolitis, chronic form; idiopathic fibrosing alveolitis. Identifiers: Orphanet 2032, MedGen C1800706, MeSH D054990, MONDO:0800504.
TERT-related disorder. Also called: TERT-related disorders; TERT-related condition.

Allele frequency attached by ClinVar (database versions not stated): gnomAD 0.00001; gnomAD exomes 0.00001; ExAC 0.00005.
gnomAD v4.1: 5 of 1,549,652 alleles (0.00032%); highest among the groups gnomAD compares: African/African-American, 0.0041%; no homozygotes.

Submissions (3):

PreventionGenetics, part of Exact Sciences
Classification: Uncertain significance for TERT-related condition. Last evaluated: 2026-04-20. Review status: criteria provided, single submitter. Criteria: ACMG Guidelines, 2015. Collection method: clinical testing. Allele origin: germline.
Comment: The TERT c.934C>T variant is predicted to result in the amino acid substitution p.Arg312Trp. To our knowledge, this variant has not been reported in the literature. This variant is reported in 0.011% of alleles in individuals of African descent in gnomAD and is interpreted as variant of uncertain significance in ClinVar (Variation ID: 950870). At this time, the clinical significance of this variant is uncertain due to the absence of conclusive functional and genetic evidence.

Labcorp Genetics (formerly Invitae), Labcorp
Classification: Uncertain significance for Dyskeratosis congenita, autosomal dominant 2; Idiopathic Pulmonary Fibrosis. Last evaluated: 2025-12-06. Review status: criteria provided, single submitter. Criteria: Invitae Variant Classification Sherloc (09022015). Collection method: clinical testing. Allele origin: germline.
Comment: This sequence change replaces arginine, which is basic and polar, with tryptophan, which is neutral and slightly polar, at codon 312 of the TERT protein (p.Arg312Trp). The frequency data for this variant in the population databases is considered unreliable, as metrics indicate poor data quality at this position in the gnomAD database. This variant has not been reported in the literature in individuals affected with TERT-related conditions. ClinVar contains an entry for this variant (Variation ID: 950870). Invitae Evidence Modeling of protein sequence and biophysical properties (such as structural, functional, and spatial information, amino acid conservation, physicochemical variation, residue mobility, and thermodynamic stability) indicates that this missense variant is not expected to disrupt TERT protein function with a negative predictive value of 95%. In summary, the available evidence is currently insufficient to determine the role of this variant in disease. Therefore, it has been classified as a Variant of Uncertain Significance.

Ambry Genetics
Classification: Uncertain significance for Dyskeratosis congenita. Last evaluated: 2025-11-26. Review status: criteria provided, single submitter. Criteria: Ambry Variant Classification Scheme 2023. Collection method: clinical testing. Allele origin: germline.
Comment: The p.R312W variant (also known as c.934C>T), located in coding exon 2 of the TERT gene, results from a C to T substitution at nucleotide position 934. The arginine at codon 312 is replaced by tryptophan, an amino acid with dissimilar properties. This variant segregated with disease in at least one family with features consistent with TERT-related disease (Ambry internal data). This amino acid position is poorly conserved in available vertebrate species. In addition, the in silico prediction for this alteration is inconclusive. Based on the available evidence, the clinical significance of this variant remains unclear.

NM_198253.3(TERT):c.934C>T (p.Arg312Trp)

Gene: TERT (telomerase reverse transcriptase; minus strand). Cytogenetic location: 5p15.33.
Variant type: single nucleotide variant.
Coding change: c.934C>T on transcript NM_198253.3 (MANE Select); coding-DNA position 934, C replaced by T.
Protein change: p.Arg312Trp; replaces arginine 312 with tryptophan.
Molecular consequence: missense variant. On other transcripts: non-coding transcript variant (2).
Genome position (GRCh38, 1-based): chr5:1,293,952, G>A on the plus strand (C>T on the coding strand, the complement: TERT is on the minus strand). VCF-style: chr5-1293952-G-A. GRCh37 (hg19) VCF-style: chr5-1294067-G-A.
Other names: c.934C>T, p.Arg312Trp (NM_001193376.3); short protein forms R312W.
Identifiers: ClinVar variation 950870 (VCV000950870.12), dbSNP rs760697425, ClinGen allele CA3184886.
Genomic context (GRCh38, chr5:1,293,952, plus strand): 5'-GGAAGTGCTTGGTCTCGGCGTACACCGGGGGACAAGGCGTGTCCCAGGGACGTGGTGGCC[G>A]CGATGTGGATGGGGGGCCCGCGTGGTGCTGGCGGCCCACGGATGGGTGGGAGTGGCGCGT-3'
Protein context (NP_937983.2, residues 302-322): QHHAGPPSTS[Arg312Trp]PPRPWDTPCP